The following is an entry in ClinVar:

NM_001077365.2(POMT1):c.1511G>A (p.Arg504Gln)

Gene: POMT1 (protein O-mannosyltransferase 1; plus strand). Cytogenetic location: 9q34.13.
Variant type: single nucleotide variant.
Coding change: c.1511G>A on transcript NM_001077365.2 (MANE Select); coding-DNA position 1511, G replaced by A.
Protein change: p.Arg504Gln; replaces arginine 504 with glutamine.
Molecular consequence: missense variant. On other transcripts: non-coding transcript variant (10), intron variant (1).
Genome position (GRCh38, 1-based): chr9:131,519,413, G>A. VCF-style: chr9-131519413-G-A. GRCh37 (hg19) VCF-style: chr9-134394800-G-A.
Other names: c.1577G>A (NM_007171.3); c.1349G>A, p.Arg450Gln (NM_001077366.2, NM_001353194.2); c.1511G>A, p.Arg504Gln (NM_001136113.2); c.1160G>A, p.Arg387Gln (NM_001136114.2, NM_001353195.2, NM_001374691.1 and 2 more transcripts); c.1577G>A, p.Arg526Gln (NM_001353193.2, NM_007171.4); c.1421G>A, p.Arg474Gln (NM_001353196.2); c.1415G>A, p.Arg472Gln (NM_001353197.2, NM_001353198.2); c.1226G>A, p.Arg409Gln (NM_001353199.2); and 4 more; short protein forms R526Q, R472Q, R387Q, R474Q, R504Q, R352Q, R450Q, R409Q.
Identifiers: ClinVar variation 497932 (VCV000497932.9), dbSNP rs370705614, ClinGen allele CA5293733.
Genomic context (GRCh38, chr9:131,519,413, plus strand): 5'-TACTTCTATCTGTTATGCCCTTGTCTGTTCTGCCAGGCCAGGAGCAGAGGGAGCGGGAAC[G>A]GGAGCTGCACTCACCTGCGCAGGTGGACGTCAGCAGGAACCTCAGCTTCATGGCGAGATT-3'
Protein context (NP_001070833.1, residues 494-514): GASQEQRERE[Arg504Gln]ELHSPAQVDV

ClinVar aggregate classification (germline): Uncertain significance. Review status: criteria provided, multiple submitters, no conflicts (2 of 4 stars). 3 submissions from 3 submitters: Uncertain significance (3). Last evaluated 2023-09-13.

Conditions:
Autosomal recessive limb-girdle muscular dystrophy type 2K. Also called: MUSCULAR DYSTROPHY-DYSTROGLYCANOPATHY (LIMB-GIRDLE), TYPE C, 1; MUSCULAR DYSTROPHY, LIMB-GIRDLE, TYPE 2K. Identifiers: Orphanet 86812, MedGen C1836373, MONDO:0012248, OMIM 609308.
Muscular dystrophy-dystroglycanopathy (congenital with impaired intellectual development), type B, 1. Also called: Muscular dystrophy-dystroglycanopathy (congenital with intellectual disability), type B1; MUSCULAR DYSTROPHY, CONGENITAL, POMT1-RELATED. Identifiers: MedGen C5436962, MONDO:0013159, OMIM 613155.
Walker-Warburg congenital muscular dystrophy. Also called: Muscular dystrophy-dystroglycanopathy, type A; Walker-Warburg syndrome. Identifiers: Orphanet 899, MedGen C0265221, MONDO:0000171.

Allele frequency attached by ClinVar (database versions not stated): gnomAD exomes 0.00002 and 0.00001; TOPMed 0.00003; gnomAD 0.00004; ExAC below 0.00001; ESP Exome Variant Server 0.00008.

Submissions (3):

Revvity Omics, Revvity
Classification: Uncertain significance. Last evaluated: 2023-09-13. Review status: criteria provided, single submitter. Criteria: ACMG Guidelines, 2015. Collection method: clinical testing. Allele origin: germline.

Labcorp Genetics (formerly Invitae), Labcorp
Classification: Uncertain significance for Muscular dystrophy-dystroglycanopathy (congenital with impaired intellectual development), type B, 1; Walker-Warburg congenital muscular dystrophy; Autosomal recessive limb-girdle muscular dystrophy type 2K. Last evaluated: 2022-03-08. Review status: criteria provided, single submitter. Criteria: Invitae Variant Classification Sherloc (09022015). Collection method: clinical testing. Allele origin: germline.
Comment: This sequence change replaces arginine, which is basic and polar, with glutamine, which is neutral and polar, at codon 526 of the POMT1 protein (p.Arg526Gln). The frequency data for this variant in the population databases is considered unreliable, as metrics indicate poor data quality at this position in the gnomAD database. This variant has not been reported in the literature in individuals affected with POMT1-related conditions. ClinVar contains an entry for this variant (Variation ID: 497932). Algorithms developed to predict the effect of missense changes on protein structure and function (SIFT, PolyPhen-2, Align-GVGD) all suggest that this variant is likely to be tolerated. In summary, the available evidence is currently insufficient to determine the role of this variant in disease. Therefore, it has been classified as a Variant of Uncertain Significance.

Eurofins Ntd Llc (ga)
Classification: Uncertain significance. Last evaluated: 2016-11-02. Review status: criteria provided, single submitter. Criteria: EGL Classification Definitions 2015. Collection method: clinical testing. Allele origin: germline. Observed: 1 variant allele, 1 heterozygote.